The following is an entry in ClinVar:

ClinVar aggregate classification (germline): Uncertain significance. Review status: criteria provided, multiple submitters, no conflicts (2 of 4 stars). 2 submissions from 2 submitters: Uncertain significance (2). Last evaluated 2025-02-07.

Conditions:
Familial thoracic aortic aneurysm and aortic dissection (TAAD). Also called: Thoracic aortic aneurysms and dissections. Identifiers: Orphanet 91387, MedGen C4707243, MONDO:0019625.
Loeys-Dietz syndrome 2 (LDS2). Also called: TGFBR2-Related Loeys-Dietz Syndrome; AORTIC ANEURYSM, FAMILIAL THORACIC 3; MARFAN SYNDROME, TYPE II; Marfan syndrome, type 2 (formerly); Marfan Syndrome type 2; Marfan like connective tissue disorder. Identifiers: Orphanet 284973, Orphanet 558, MedGen C2674574, MONDO:0012427, OMIM 610168.

gnomAD v4.1: 20 of 1,569,918 alleles (0.0013%); highest among the groups gnomAD compares: Non-Finnish European, 0.0017%; no homozygotes.

Submissions (2):

Labcorp Genetics (formerly Invitae), Labcorp
Classification: Uncertain significance for Familial thoracic aortic aneurysm and aortic dissection. Last evaluated: 2025-02-07. Review status: criteria provided, single submitter. Criteria: Invitae Variant Classification Sherloc (09022015). Collection method: clinical testing. Allele origin: germline.
Comment: This sequence change replaces arginine, which is basic and polar, with proline, which is neutral and non-polar, at codon 3 of the TGFBR2 protein (p.Arg3Pro). The frequency data for this variant in the population databases is considered unreliable, as metrics indicate poor data quality at this position in the gnomAD database. This variant has not been reported in the literature in individuals affected with TGFBR2-related conditions. ClinVar contains an entry for this variant (Variation ID: 3072678). Invitae Evidence Modeling of protein sequence and biophysical properties (such as structural, functional, and spatial information, amino acid conservation, physicochemical variation, residue mobility, and thermodynamic stability) indicates that this missense variant is not expected to disrupt TGFBR2 protein function with a negative predictive value of 95%. In summary, the available evidence is currently insufficient to determine the role of this variant in disease. Therefore, it has been classified as a Variant of Uncertain Significance.

All of Us Research Program, National Institutes of Health
Classification: Uncertain significance for Loeys-Dietz syndrome 2. Last evaluated: 2024-03-24. Review status: criteria provided, single submitter. Criteria: ACMG Guidelines, 2015. Collection method: clinical testing. Allele origin: germline. Inheritance: Autosomal dominant inheritance. Observed: 2 variant alleles, 2 heterozygotes.
Comment: This missense variant replaces arginine with proline at codon 3 of the TGFBR2 protein. Computational prediction suggests that this variant may not impact protein structure and function (internally defined REVEL score threshold <= 0.5, PMID: 27666373). To our knowledge, functional studies have not been reported for this variant. This variant has not been reported in individuals affected with TGFBR2-related disorders in the literature. This variant has been identified in 1/194290 chromosomes in the general population by the Genome Aggregation Database (gnomAD). The available evidence is insufficient to determine the role of this variant in disease conclusively. Therefore, this variant is classified as a Variant of Uncertain Significance.

This study involves interpretation of variants in research participants for the purpose of population health screening. Participant phenotype was not available at the time of variant classification. Additional details can be found in publication PMID: 35346344, PMCID: PMC8962531

NM_003242.6(TGFBR2):c.8G>C (p.Arg3Pro)

Gene: TGFBR2 (transforming growth factor beta receptor 2; plus strand). Cytogenetic location: 3p24.1.
Variant type: single nucleotide variant.
Coding change: c.8G>C on transcript NM_003242.6 (MANE Select); coding-DNA position 8, G replaced by C.
Protein change: p.Arg3Pro; replaces arginine 3 with proline.
Molecular consequence: missense variant. On other transcripts: 5 prime UTR variant (4), intron variant (2).
Genome position (GRCh38, 1-based): chr3:30,606,891, G>C. VCF-style: chr3-30606891-G-C. GRCh37 (hg19) VCF-style: chr3-30648383-G-C.
Other names: c.8G>C, p.Arg3Pro (NM_001024847.3, NM_001407126.1, NM_001407127.1 and 4 more transcripts); c.-276G>C (NM_001407133.1); c.-154G>C (NM_001407134.1); c.-201G>C (NM_001407135.1); c.-286G>C (NM_001407136.1); c.-12+298G>C (NM_001407129.1, NM_001407132.1); short protein forms R3P.
Identifiers: ClinVar variation 3072678 (VCV003072678.3), dbSNP rs780267559, ClinGen allele CA050096.
Genomic context (GRCh38, chr3:30,606,891, plus strand): 5'-GGCGCCGTCCGCTGCGCTGGGGGCTCGGTCTATGACGAGCAGCGGGGTCTGCCATGGGTC[G>C]GGGGCTGCTCAGGGGCCTGTGGCCGCTGCACATCGTCCTGTGGACGCGTATCGCCAGCAC-3'
Protein context (NP_003233.4, residues 1-13): MG[Arg3Pro]GLLRGLWPLH